The following is an entry in ClinVar:

ClinVar aggregate classification (germline): Uncertain significance (1 of 4 stars; one submission).

Conditions:
Retinitis pigmentosa 13 (RP13). Also called: PRPF 8-Related Retinitis Pigmentosa. Identifiers: Orphanet 791, MedGen C1838702, MONDO:0010806, OMIM 600059.

Allele frequency attached by ClinVar (database versions not stated): gnomAD exomes 0.00001.
gnomAD v4.1: 4 of 1,614,106 alleles (0.00025%); highest among the groups gnomAD compares: Non-Finnish European, 0.00034%; no homozygotes.

Submission:

Ocular Genomics Institute, Massachusetts Eye and Ear
Classification: Uncertain significance for Retinitis pigmentosa 13. Last evaluated: 2021-04-08. Review status: criteria provided, single submitter. Criteria: ACMG Guidelines, 2015. Collection method: research. Allele origin: germline. Affected: yes.
Comment: Through a review of available evidence we were able to apply the following criteria: PM2. Based on this evidence we have classified this variant as Variant of Uncertain Significance.

NM_006445.4(PRPF8):c.3368A>G (p.Glu1123Gly)

Gene: PRPF8 (pre-mRNA processing factor 8; minus strand). Cytogenetic location: 17p13.3.
Variant type: single nucleotide variant.
Coding change: c.3368A>G on transcript NM_006445.4 (MANE Select); coding-DNA position 3368, A replaced by G.
Protein change: p.Glu1123Gly; replaces glutamic acid 1123 with glycine.
Molecular consequence: missense variant.
Genome position (GRCh38, 1-based): chr17:1,673,824, T>C on the plus strand (A>G on the coding strand, the complement: PRPF8 is on the minus strand). VCF-style: chr17-1673824-T-C. GRCh37 (hg19) VCF-style: chr17-1577118-T-C.
Other names: short protein forms E1123G.
Identifiers: ClinVar variation 1065692 (VCV001065692.1), dbSNP rs1912457869, ClinGen allele CA397541564.
Genomic context (GRCh38, chr17:1,673,824, plus strand): 5'-ATGAGGCGCATGCGGGCATCTCGGGGCCAGCACTTCTTGTTATTATAGCCAACGATGTTT[T>C]CATTATTGGGGTCAGGGTGCTCTGTCAGGTAACGTTGAATCAGGTCCCGAGCCTCATCTG-3'
Protein context (NP_006436.3, residues 1113-1133): YLTEHPDPNN[Glu1123Gly]NIVGYNNKKC